The following is an entry in ClinVar:

NM_015557.3(CHD5):c.4853G>A (p.Arg1618Gln)

Gene: CHD5 (chromodomain helicase DNA binding protein 5; minus strand). Cytogenetic location: 1p36.31.
Variant type: single nucleotide variant.
Coding change: c.4853G>A on transcript NM_015557.3 (MANE Select); coding-DNA position 4853, G replaced by A.
Protein change: p.Arg1618Gln; replaces arginine 1618 with glutamine.
Molecular consequence: missense variant.
Genome position (GRCh38, 1-based): chr1:6,121,164, C>T on the plus strand (G>A on the coding strand, the complement: CHD5 is on the minus strand). VCF-style: chr1-6121164-C-T. GRCh37 (hg19) VCF-style: chr1-6181224-C-T.
Other names: short protein forms R1618Q.
Identifiers: ClinVar variation 3768517 (VCV003768517.1).

ClinVar aggregate classification (germline): Uncertain significance (1 of 4 stars; one submission).

gnomAD v4.1: 13 of 1,613,934 alleles (0.00081%); highest among the groups gnomAD compares: South Asian, 0.0033%; no homozygotes.

Submission:

Women's Health and Genetics/Laboratory Corporation of America, LabCorp
Classification: Uncertain significance. Last evaluated: 2024-12-19. Review status: criteria provided, single submitter. Criteria: LabCorp Variant Classification Summary - May 2015. Collection method: clinical testing. Allele origin: germline.
Comment: Variant summary: CHD5 c.4853G>A (p.Arg1618Gln) results in a conservative amino acid change in the encoded protein sequence. Five of five in-silico tools predict a benign effect of the variant on protein function. The variant allele was found at a frequency of 8e-06 in 250374 control chromosomes. The available data on variant occurrences in the general population are insufficient to allow any conclusion about variant significance. To our knowledge, no occurrence of c.4853G>A in individuals affected with Parenti-Mignot Neurodevelopmental Syndrome and no experimental evidence demonstrating its impact on protein function have been reported. No submitters have cited clinical-significance assessments for this variant to ClinVar. Based on the evidence outlined above, the variant was classified as uncertain significance.